The following is an entry in ClinVar:

NM_014516.4(CNOT3):c.2204G>A (p.Arg735Gln)

Genes: CNOT3 (CCR4-NOT transcription complex subunit 3; plus strand), LENG1 (leukocyte receptor cluster member 1; minus strand). Cytogenetic location: 19q13.42.
Variant type: single nucleotide variant.
Coding change: c.2204G>A on transcript NM_014516.4 (MANE Select); coding-DNA position 2204, G replaced by A.
Protein change: p.Arg735Gln; replaces arginine 735 with glutamine.
Molecular consequence: missense variant. On other transcripts: 3 prime UTR variant (1).
Genome position (GRCh38, 1-based): chr19:54,155,349, G>A. VCF-style: chr19-54155349-G-A. GRCh37 (hg19) VCF-style: chr19-54659087-G-A.
Other names: c.*372C>T (NM_024316.3); short protein forms R735Q.
Identifiers: ClinVar variation 1686738 (VCV001686738.3), dbSNP rs2146822960, ClinGen allele CA407772587.
Genomic context (GRCh38, chr19:54,155,349, plus strand): 5'-CCGCCTTCTCCCCCGGCCAGGGCACCTACATCTACTTTGACTACGAGAAGTGGGGCCAGC[G>A]GAAGAAGGAAGGCTTCACCTTTGAGTACCGCTACCTGGAGGACCGGGACCTCCAGTGACA-3'
Protein context (NP_055331.1, residues 725-745): IYFDYEKWGQ[Arg735Gln]KKEGFTFEYR

ClinVar aggregate classification (germline): Uncertain significance (1 of 4 stars; one submission).

Submission:

GeneDx
Classification: Uncertain significance. Last evaluated: 2025-12-17. Review status: criteria provided, single submitter. Criteria: GeneDx Variant Classification Process June 2021. Collection method: clinical testing. Allele origin: germline.
Comment: Not observed at significant frequency in large population cohorts (gnomAD); In silico analysis supports that this missense variant has a deleterious effect on protein structure/function; Has not been previously published as pathogenic or benign to our knowledge